The following is an entry in ClinVar:

NM_020822.3(KCNT1):c.2210C>T (p.Thr737Met)

Gene: KCNT1 (potassium sodium-activated channel subfamily T member 1; plus strand). Cytogenetic location: 9q34.3.
Variant type: single nucleotide variant.
Coding change: c.2210C>T on transcript NM_020822.3 (MANE Select); coding-DNA position 2210, C replaced by T.
Protein change: p.Thr737Met; replaces threonine 737 with methionine.
Molecular consequence: missense variant.
Genome position (GRCh38, 1-based): chr9:135,772,916, C>T. VCF-style: chr9-135772916-C-T. GRCh37 (hg19) VCF-style: chr9-138664762-C-T.
Other names: p.Thr737Met; c.2075C>T, p.Thr692Met (NM_001272003.2); short protein forms T737M, T692M.
Identifiers: ClinVar variation 129356 (VCV000129356.28), dbSNP rs61744696, ClinGen allele CA153307.

ClinVar aggregate classification (germline): Benign/Likely benign. Review status: criteria provided, multiple submitters, no conflicts (2 of 4 stars). 11 submissions from 10 submitters: Benign (9); Likely benign (1). 1 of the submissions does not count toward it. Last evaluated 2026-02-03.

Conditions:
Developmental and epileptic encephalopathy, 14 (DEE14). Also called: Early infantile epileptic encephalopathy 14. Identifiers: Orphanet 293181, MedGen C3554195, MONDO:0013989, OMIM 614959.
Autosomal dominant nocturnal frontal lobe epilepsy 5. Also called: CILIARY DYSKINESIA, PRIMARY, 28, WITHOUT SITUS INVERSUS; Epilepsy, nocturnal frontal lobe, 5; KCNT1-Related Epilepsy; CILIARY DYSKINESIA, PRIMARY, 28, WITH SITUS INVERSUS. Identifiers: Orphanet 98784, MedGen C3554306, MONDO:0014002, OMIM 615005.
Inborn genetic diseases. Identifiers: MedGen C0950123, MeSH D030342.

Allele frequency attached by ClinVar (database versions not stated): 1000 Genomes Project 30x 0.00531; 1000 Genomes Project 0.00579; TOPMed 0.01117; ESP Exome Variant Server 0.01149; gnomAD 0.01206 and 0.01246; gnomAD exomes 0.01226; ExAC 0.02910.
gnomAD v4.1: 22,813 of 1,529,262 alleles (1.5%); highest among the groups gnomAD compares: Non-Finnish European, 1.7%; 212 homozygotes.

Submissions (11):

Labcorp Genetics (formerly Invitae), Labcorp
Classification: Benign for Autosomal dominant nocturnal frontal lobe epilepsy 5; Developmental and epileptic encephalopathy, 14. Last evaluated: 2026-02-03. Review status: criteria provided, single submitter. Criteria: Invitae Variant Classification Sherloc (09022015). Collection method: clinical testing. Allele origin: germline.

Blueprint Genetics
Classification: Likely benign. Last evaluated: 2024-11-26. Review status: criteria provided, single submitter. Criteria: ACMG Guidelines, 2015. Collection method: clinical testing. Allele origin: germline.

Genome-Nilou Lab
Classification: Benign for Developmental and epileptic encephalopathy, 14. Last evaluated: 2022-03-15. Review status: criteria provided, single submitter. Criteria: ACMG Guidelines, 2015. Collection method: clinical testing. Allele origin: germline. Affected: no.

Genome-Nilou Lab
Classification: Benign for Autosomal dominant nocturnal frontal lobe epilepsy 5. Last evaluated: 2022-03-15. Review status: criteria provided, single submitter. Criteria: ACMG Guidelines, 2015. Collection method: clinical testing. Allele origin: germline. Affected: no.

Mayo Clinic Laboratories, Mayo Clinic
Classification: Benign. Last evaluated: 2020-04-13. Review status: criteria provided, single submitter. Criteria: ACMG Guidelines, 2015. Collection method: clinical testing. Allele origin: germline. Observed: 11 variant alleles.

Ambry Genetics
Classification: Benign for Inborn genetic diseases. Last evaluated: 2016-02-05. Review status: criteria provided, single submitter. Criteria: Ambry Variant Classification Scheme 2023. Collection method: clinical testing. Allele origin: germline.

GeneDx
Classification: Benign. Last evaluated: 2016-01-07. Review status: criteria provided, single submitter. Criteria: GeneDx Variant Classification (06012015). Collection method: clinical testing. Allele origin: germline. Affected: yes.
Comment: This variant is considered likely benign or benign based on one or more of the following criteria: it is a conservative change, it occurs at a poorly conserved position in the protein, it is predicted to be benign by multiple in silico algorithms, and/or has population frequency not consistent with disease.

Eurofins Ntd Llc (ga)
Classification: Benign. Last evaluated: 2015-06-30. Review status: criteria provided, single submitter. Criteria: EGL Classification Definitions 2015. Collection method: clinical testing. Allele origin: germline. Observed: 5 variant alleles, 5 heterozygotes.

Breakthrough Genomics
Classification: Benign. Review status: criteria provided, single submitter. Criteria: ACMG Guidelines, 2015. Collection method: not provided. Allele origin: germline. Inheritance: Autosomal dominant inheritance. Affected: yes.

PreventionGenetics, part of Exact Sciences
Classification: Benign. Review status: criteria provided, single submitter. Criteria: ACMG Guidelines, 2015. Collection method: clinical testing. Allele origin: germline.

Genetic Services Laboratory, University of Chicago
Classification: Likely benign for AllHighlyPenetrant. Review status: no assertion criteria provided. Collection method: clinical testing. Allele origin: germline. Inheritance: Autosomal dominant inheritance. Not counted in ClinVar's aggregate classification.
Comment: Likely benign based on allele frequency in 1000 Genomes Project or ESP global frequency and its presence in a patient with a rare or unrelated disease phenotype. NOT Sanger confirmed.